The following is an entry in ClinVar:

ClinVar aggregate classification (germline): Uncertain significance (1 of 4 stars; one submission).

Conditions:
Congenital muscular hypertrophy-cerebral syndrome (CDLS2). Also called: Cornelia de Lange syndrome 2; SMC1A-Related Cornelia de Lange Syndrome. Identifiers: Orphanet 199, MedGen C1802395, MONDO:0010370, OMIM 300590.

Submission:

Labcorp Genetics (formerly Invitae), Labcorp
Classification: Uncertain significance for Congenital muscular hypertrophy-cerebral syndrome. Last evaluated: 2022-07-19. Review status: criteria provided, single submitter. Criteria: Invitae Variant Classification Sherloc (09022015). Collection method: clinical testing. Allele origin: germline.
Comment: In summary, the available evidence is currently insufficient to determine the role of this variant in disease. Therefore, it has been classified as a Variant of Uncertain Significance. Advanced modeling of protein sequence and biophysical properties (such as structural, functional, and spatial information, amino acid conservation, physicochemical variation, residue mobility, and thermodynamic stability) performed at Invitae indicates that this missense variant is expected to disrupt SMC1A protein function. ClinVar contains an entry for this variant (Variation ID: 1479507). This variant has not been reported in the literature in individuals affected with SMC1A-related conditions. This variant is not present in population databases (gnomAD no frequency). This sequence change replaces phenylalanine, which is neutral and non-polar, with valine, which is neutral and non-polar, at codon 12 of the SMC1A protein (p.Phe12Val).

NM_006306.4(SMC1A):c.34T>G (p.Phe12Val)

Gene: SMC1A (structural maintenance of chromosomes 1A; minus strand). Cytogenetic location: Xp11.22.
Variant type: single nucleotide variant.
Coding change: c.34T>G on transcript NM_006306.4 (MANE Select); coding-DNA position 34, T replaced by G.
Protein change: p.Phe12Val; replaces phenylalanine 12 with valine.
Molecular consequence: missense variant. On other transcripts: 5 prime UTR variant (1).
Genome position (GRCh38, 1-based): chrX:53,422,567, A>C on the plus strand (T>G on the coding strand, the complement: SMC1A is on the minus strand). VCF-style: chrX-53422567-A-C. GRCh37 (hg19) VCF-style: chrX-53449516-A-C.
Other names: c.-179T>G (NM_001281463.1); short protein forms F12V.
Identifiers: ClinVar variation 1479507 (VCV001479507.6), dbSNP rs2146614101, ClinGen allele CA413135620.